The following is an entry in ClinVar:

ClinVar aggregate classification (germline): Uncertain significance. Review status: criteria provided, multiple submitters, no conflicts (2 of 4 stars). 3 submissions from 3 submitters: Uncertain significance (3). Last evaluated 2025-06-14.

Conditions:
Hereditary cancer-predisposing syndrome. Also called: Tumor predisposition; Hereditary neoplastic syndrome; Hereditary Cancer Syndrome; Neoplastic Syndromes, Hereditary. Identifiers: Orphanet 140162, MedGen C0027672, MeSH D009386, MONDO:0015356.
Familial cancer of breast. Also called: hereditary breast carcinoma; BREAST CANCER, FAMILIAL; Hereditary breast cancer. Identifiers: Orphanet 227535, MedGen C0346153, MONDO:0016419, OMIM 114480. Disease mechanism: loss of function.

Submissions (3):

Ambry Genetics
Classification: Uncertain significance for Hereditary cancer-predisposing syndrome. Last evaluated: 2025-06-14. Review status: criteria provided, single submitter. Criteria: Ambry Variant Classification Scheme 2023. Collection method: clinical testing. Allele origin: germline.
Comment: The p.Y72S variant (also known as c.215A>C), located in coding exon 1 of the CHEK2 gene, results from an A to C substitution at nucleotide position 215. The tyrosine at codon 72 is replaced by serine, an amino acid with dissimilar properties. This amino acid position is poorly conserved in available vertebrate species. In addition, this alteration is predicted to be tolerated by in silico analysis. Since supporting evidence is limited at this time, the clinical significance of this alteration remains unclear.

Labcorp Genetics (formerly Invitae), Labcorp
Classification: Uncertain significance for Familial cancer of breast. Last evaluated: 2023-08-10. Review status: criteria provided, single submitter. Criteria: Invitae Variant Classification Sherloc (09022015). Collection method: clinical testing. Allele origin: germline.
Comment: In summary, the available evidence is currently insufficient to determine the role of this variant in disease. Therefore, it has been classified as a Variant of Uncertain Significance. An algorithm developed to predict the effect of missense changes on protein structure and function (PolyPhen-2) suggests that this variant is likely to be tolerated. ClinVar contains an entry for this variant (Variation ID: 578035). This variant has not been reported in the literature in individuals affected with CHEK2-related conditions. This variant is present in population databases (rs769819013, gnomAD 0.003%). This sequence change replaces tyrosine, which is neutral and polar, with serine, which is neutral and polar, at codon 72 of the CHEK2 protein (p.Tyr72Ser).

Color Diagnostics, LLC DBA Color Health
Classification: Uncertain significance for Hereditary cancer-predisposing syndrome. Last evaluated: 2019-03-14. Review status: criteria provided, single submitter. Criteria: ACMG Guidelines, 2015. Collection method: clinical testing. Allele origin: germline.

NM_007194.4(CHEK2):c.215A>C (p.Tyr72Ser)

Gene: CHEK2 (checkpoint kinase 2; minus strand). Cytogenetic location: 22q12.1.
Variant type: single nucleotide variant.
Coding change: c.215A>C on transcript NM_007194.4 (MANE Select); coding-DNA position 215, A replaced by C.
Protein change: p.Tyr72Ser; replaces tyrosine 72 with serine.
Molecular consequence: missense variant.
Genome position (GRCh38, 1-based): chr22:28,734,507, T>G on the plus strand (A>C on the coding strand, the complement: CHEK2 is on the minus strand). VCF-style: chr22-28734507-T-G. GRCh37 (hg19) VCF-style: chr22-29130495-T-G.
Other names: c.215A>C, p.Tyr72Ser (NM_001005735.3, NM_001349956.3, NM_145862.3); c.-563A>C (NM_001257387.3); short protein forms Y72S.
Identifiers: ClinVar variation 578035 (VCV000578035.13), dbSNP rs769819013, ClinGen allele CA10168059.
Genomic context (GRCh38, chr22:28,734,507, plus strand): 5'-GGGGCAGGGGTAGGCTCCTCAGGTTCTTGGTCCTCAGGTTCTTGGTCCTCAGGAATAGAA[T>G]AGAGTTCCTGAGTGGACACTGTCTCTAAGGAGCTCAGTGTCCCAGAGCTGGAGTGAGAGG-3'
Protein context (NP_009125.1, residues 62-82): SLETVSTQEL[Tyr72Ser]SIPEDQEPED